The following is an entry in ClinVar:

ClinVar aggregate classification (germline): Likely benign. Review status: criteria provided, multiple submitters, no conflicts (2 of 4 stars). 5 submissions from 5 submitters: Likely benign (5). Last evaluated 2025-03-28.

Conditions:
Dentatorubral-pallidoluysian atrophy (DRPLA). Also called: Naito Oyanagi disease; HAW RIVER SYNDROME; MYOCLONIC EPILEPSY WITH CHOREOATHETOSIS; ATAXIA, CHOREA, SEIZURES, AND DEMENTIA. Identifiers: Orphanet 101, MedGen C0751781, MONDO:0007435, OMIM 125370.
Congenital hypotonia, epilepsy, developmental delay, and digital anomalies (CHEDDA). Also called: ATN1-Related Neurodevelopmental Disorder. Identifiers: MedGen C5193125, MONDO:0032781, OMIM 618494.

Allele frequency attached by ClinVar (database versions not stated): gnomAD exomes 0.00133; ExAC 0.00807; gnomAD 0.01187 and 0.01283.

Submissions (5):

Mayo Clinic Laboratories, Mayo Clinic
Classification: Likely benign. Last evaluated: 2025-03-28. Review status: criteria provided, single submitter. Criteria: ACMG Guidelines, 2015. Collection method: clinical testing. Allele origin: germline. Observed: 1 variant allele.
Comment: BS1, BP4, BP7

Blueprint Genetics
Classification: Likely benign. Last evaluated: 2024-11-06. Review status: criteria provided, single submitter. Criteria: ACMG Guidelines, 2015. Collection method: clinical testing. Allele origin: germline.

Fulgent Genetics
Classification: Likely benign for Dentatorubral-pallidoluysian atrophy; Congenital hypotonia, epilepsy, developmental delay, and digital anomalies. Last evaluated: 2021-08-10. Review status: criteria provided, single submitter. Criteria: ACMG Guidelines, 2015. Collection method: clinical testing. Allele origin: unknown.

GeneDx
Classification: Likely benign. Last evaluated: 2020-01-13. Review status: criteria provided, single submitter. Criteria: GeneDx Variant Classification Process June 2021. Collection method: clinical testing. Allele origin: germline. Affected: yes.

Breakthrough Genomics
Classification: Likely benign. Review status: criteria provided, single submitter. Criteria: ACMG Guidelines, 2015. Collection method: not provided. Allele origin: germline. Inheritance: Autosomal dominant inheritance. Affected: yes.

NM_001940.4(ATN1):c.1467G>A (p.Gln489=)

Genes: ATN1 (atrophin 1; plus strand), LOC109461484 (atrophin 1 repeat instability region; plus strand). Cytogenetic location: 12p13.31.
Variant type: single nucleotide variant.
Coding change: c.1467G>A on transcript NM_001940.4 (MANE Select); coding-DNA position 1467, G replaced by A.
Protein change: p.Gln489=; no amino-acid change (glutamine 489 retained).
Molecular consequence: synonymous variant.
Genome position (GRCh38, 1-based): chr12:6,936,734, G>A. VCF-style: chr12-6936734-G-A. GRCh37 (hg19) VCF-style: chr12-7045897-G-A.
Other names: p.Gln489=; c.1467G>A, p.Gln489= (NM_001007026.2).
Identifiers: ClinVar variation 1187119 (VCV001187119.6), dbSNP rs782253884, ClinGen allele CA6420597.